The following is an entry in ClinVar:

NM_004415.4(DSP):c.7734C>T (p.Ser2578=)

Gene: DSP (desmoplakin; plus strand). Cytogenetic location: 6p24.3.
Variant type: single nucleotide variant.
Coding change: c.7734C>T on transcript NM_004415.4 (MANE Select); coding-DNA position 7734, C replaced by T.
Protein change: p.Ser2578=; no amino-acid change (serine 2578 retained).
Molecular consequence: synonymous variant.
Genome position (GRCh38, 1-based): chr6:7,584,996, C>T. VCF-style: chr6-7584996-C-T. GRCh37 (hg19) VCF-style: chr6-7585229-C-T.
Other names: p.S2578S:AGC>AGT; c.7734C>T (NM_004415.3); c.5937C>T, p.Ser1979= (NM_001008844.3); c.6405C>T, p.Ser2135= (NM_001319034.2).
Identifiers: ClinVar variation 137172 (VCV000137172.60), dbSNP rs28763970, ClinGen allele CA007258.

ClinVar aggregate classification (germline): Benign/Likely benign. Review status: criteria provided, multiple submitters, no conflicts (2 of 4 stars). 14 submissions from 14 submitters: Benign (6); Likely benign (5). 3 of the submissions do not count toward it. Last evaluated 2026-02-02.

Conditions:
DSP-related disorder. Also called: DSP-related condition; DSP-related disorders.
Cardiovascular phenotype. Identifiers: MedGen CN230736.
Arrhythmogenic cardiomyopathy with wooly hair and keratoderma. Also called: PALMOPLANTAR KERATODERMA WITH LEFT VENTRICULAR CARDIOMYOPATHY AND WOOLLY HAIR; Carvajal syndrome; Dilated cardiomyopathy with woolly hair and keratoderma; Arrhythmogenic cardiomyopathy with woolly hair and keratoderma. Identifiers: Orphanet 65282, MedGen C1854063, MONDO:0011581, OMIM 605676.
Arrhythmogenic right ventricular dysplasia 8 (ARVD8). Also called: Arrhythmogenic Right Ventricular Dysplasia/Cardiomyopathy 8; ARRHYTHMOGENIC RIGHT VENTRICULAR DYSPLASIA, FAMILIAL, 8; ARRHYTHMOGENIC RIGHT VENTRICULAR CARDIOMYOPATHY 8. Identifiers: MedGen C1843896, MONDO:0011831, OMIM 607450.
Cardiomyopathy (CMYO). Also called: Cardiomyopathies. Identifiers: Orphanet 167848, MedGen C0878544, MONDO:0004994, HP:0001638. Inheritance: Various modes of inheritance.

Allele frequency attached by ClinVar (database versions not stated): 1000 Genomes Project 0.00060; ESP Exome Variant Server 0.00077; 1000 Genomes Project 30x 0.00078; gnomAD 0.00080 and 0.00087; TOPMed 0.00096.
gnomAD v4.1: 296 of 1,614,128 alleles (0.018%); highest among the groups gnomAD compares: African/African-American, 0.33%; no homozygotes.

Submissions (14):

Labcorp Genetics (formerly Invitae), Labcorp
Classification: Benign for Arrhythmogenic cardiomyopathy with wooly hair and keratoderma; Arrhythmogenic right ventricular dysplasia 8. Last evaluated: 2026-02-02. Review status: criteria provided, single submitter. Criteria: Invitae Variant Classification Sherloc (09022015). Collection method: clinical testing. Allele origin: germline.

Blueprint Genetics
Classification: Likely benign. Last evaluated: 2024-09-12. Review status: criteria provided, single submitter. Criteria: ACMG Guidelines, 2015. Collection method: clinical testing. Allele origin: germline.

All of Us Research Program, National Institutes of Health
Classification: Benign for Arrhythmogenic cardiomyopathy with wooly hair and keratoderma. Last evaluated: 2024-02-05. Review status: criteria provided, single submitter. Criteria: ACMG Guidelines, 2015. Collection method: clinical testing. Allele origin: germline. Inheritance: Autosomal dominant inheritance. Observed: 45 variant alleles, 45 heterozygotes.
Comment: This study involves interpretation of variants in research participants for the purpose of population health screening. Participant phenotype was not available at the time of variant classification. Additional details can be found in publication PMID: 35346344, PMCID: PMC8962531

CeGaT Center for Human Genetics Tuebingen
Classification: Likely benign. Last evaluated: 2022-12-01. Review status: criteria provided, single submitter. Criteria: CeGaT Center For Human Genetics Tuebingen Variant Classification Criteria Version 2. Collection method: clinical testing. Allele origin: germline. Affected: yes. Observed: 1 variant allele.
Comment: DSP: BP4, BP7

ARUP Laboratories, Molecular Genetics and Genomics, ARUP Laboratories
Classification: Likely benign. Last evaluated: 2020-10-01. Review status: criteria provided, single submitter. Criteria: ARUP Molecular Germline Variant Investigation Process 2021. Collection method: clinical testing. Allele origin: germline.

Color Diagnostics, LLC DBA Color Health
Classification: Benign for Cardiomyopathy. Last evaluated: 2018-11-27. Review status: criteria provided, single submitter. Criteria: ACMG Guidelines, 2015. Collection method: clinical testing. Allele origin: germline.

CHEO Genetics Diagnostic Laboratory, Children's Hospital of Eastern Ontario
Classification: Benign for Cardiomyopathy. Last evaluated: 2018-05-28. Review status: criteria provided, single submitter. Criteria: ACMG Guidelines, 2015. Collection method: clinical testing. Allele origin: germline.

Women's Health and Genetics/Laboratory Corporation of America, LabCorp
Classification: Benign. Last evaluated: 2016-12-12. Review status: criteria provided, single submitter. Criteria: LabCorp Variant Classification Summary - May 2015. Collection method: clinical testing. Allele origin: germline.
Comment: Variant summary: The DSP c.7734C>T (p.Ser2578Ser) variant causes a synonymous change involving a non-conserved nucleotide, which 4/5 splice prediction tools predict no significant impact on normal splicing and ESE finder predicts alterations to ESE binding, although these predictions have yet to be functionally assessed. The variant of interest was observed in the large, broad control population, ExAC, with an allele frequency of 26/121388 (1/4668), predominantly in the African cohort, 24/10396 (1/433), which significantly exceeds the estimated maximal expected allele frequency for a pathogenic DSP variant of 1/100,000. Therefore, suggesting that the variant of interest is a common polymorphism found in population(s) of African origin. The variant of interest has not been, to our knowledge, reported in affected individuals via publications. Multiple clinical diagnostic laboratories/databases cite the variant as "benign/likely benign." Therefore, the variant of interest has been classified as Benign.

Ambry Genetics
Classification: Likely benign for Cardiovascular phenotype. Last evaluated: 2016-07-15. Review status: criteria provided, single submitter. Criteria: Ambry Variant Classification Scheme 2023. Collection method: clinical testing. Allele origin: germline.

Laboratory for Molecular Medicine, Mass General Brigham Personalized Medicine
Classification: Likely benign. Last evaluated: 2015-08-24. Review status: criteria provided, single submitter. Criteria: LMM Criteria. Collection method: clinical testing. Allele origin: germline. Observed: 3 variant alleles.
Comment: p.Ser2578Ser in exon 24 of DSP: This variant is not expected to have clinical si gnificance because it does not alter an amino acid residue and is not located wi thin the splice consensus sequence. It has been identified in 0.2% (24/10396) of African chromosomes by the Exome Aggregation Consortium (ExAC; dbSNP rs28763970).

GeneDx
Classification: Benign. Last evaluated: 2014-02-11. Review status: criteria provided, single submitter. Criteria: GeneDx Variant Classification (06012015). Collection method: clinical testing. Allele origin: germline. Affected: yes.
Comment: This variant is considered likely benign or benign based on one or more of the following criteria: it is a conservative change, it occurs at a poorly conserved position in the protein, it is predicted to be benign by multiple in silico algorithms, and/or has population frequency not consistent with disease.

PreventionGenetics, part of Exact Sciences
Classification: Likely benign for DSP-related condition. Last evaluated: 2022-08-11. Review status: no assertion criteria provided. Collection method: clinical testing. Allele origin: germline. Not counted in ClinVar's aggregate classification.
Comment: This variant is classified as likely benign based on ACMG/AMP sequence variant interpretation guidelines (Richards et al. 2015 PMID: 25741868, with internal and published modifications).

Clinical Genetics DNA and cytogenetics Diagnostics Lab, Erasmus MC, Erasmus Medical Center
Classification: Likely benign. Review status: no assertion criteria provided. Collection method: clinical testing. Allele origin: germline. Affected: yes. Study: VKGL Data-share Consensus. Not counted in ClinVar's aggregate classification.

Clinical Genetics, Academic Medical Center
Classification: Benign. Review status: no assertion criteria provided. Collection method: clinical testing. Allele origin: germline. Affected: yes. Study: VKGL Data-share Consensus. Not counted in ClinVar's aggregate classification.